The following is an entry in ClinVar:

NM_002296.4(LBR):c.41G>T (p.Gly14Val)

Gene: LBR (lamin B receptor; minus strand). Cytogenetic location: 1q42.12.
Variant type: single nucleotide variant.
Coding change: c.41G>T on transcript NM_002296.4 (MANE Select); coding-DNA position 41, G replaced by T.
Protein change: p.Gly14Val; replaces glycine 14 with valine.
Molecular consequence: missense variant.
Genome position (GRCh38, 1-based): chr1:225,424,035, C>A on the plus strand (G>T on the coding strand, the complement: LBR is on the minus strand). VCF-style: chr1-225424035-C-A. GRCh37 (hg19) VCF-style: chr1-225611737-C-A.
Other names: c.41G>T, p.Gly14Val (NM_194442.3); short protein forms G14V.
Identifiers: ClinVar variation 1416481 (VCV001416481.6), dbSNP rs2150960177, ClinGen allele CA345003456.

ClinVar aggregate classification (germline): Uncertain significance (1 of 4 stars; one submission).

gnomAD v4.1: 6 of 1,614,124 alleles (0.00037%); highest among the groups gnomAD compares: Non-Finnish European, 0.00051%; no homozygotes.

Submission:

Labcorp Genetics (formerly Invitae), Labcorp
Classification: Uncertain significance. Last evaluated: 2025-09-05. Review status: criteria provided, single submitter. Criteria: Invitae Variant Classification Sherloc (09022015). Collection method: clinical testing. Allele origin: germline.
Comment: This sequence change replaces glycine, which is neutral and non-polar, with valine, which is neutral and non-polar, at codon 14 of the LBR protein (p.Gly14Val). This variant is not present in population databases (gnomAD no frequency). This variant has not been reported in the literature in individuals affected with LBR-related conditions. ClinVar contains an entry for this variant (Variation ID: 1416481). Invitae Evidence Modeling of protein sequence and biophysical properties (such as structural, functional, and spatial information, amino acid conservation, physicochemical variation, residue mobility, and thermodynamic stability) indicates that this missense variant is expected to disrupt LBR protein function with a positive predictive value of 95%. In summary, the available evidence is currently insufficient to determine the role of this variant in disease. Therefore, it has been classified as a Variant of Uncertain Significance.